The following is an entry in ClinVar:

NM_016507.4(CDK12):c.517G>A (p.Glu173Lys)

Genes: CDK12 (cyclin dependent kinase 12; plus strand), LOC126862553 (CDK7 strongly-dependent group 2 enhancer GRCh37_chr17:37618166-37619365; plus strand). Cytogenetic location: 17q12.
Variant type: single nucleotide variant.
Coding change: c.517G>A on transcript NM_016507.4 (MANE Select); coding-DNA position 517, G replaced by A.
Protein change: p.Glu173Lys; replaces glutamic acid 173 with lysine.
Molecular consequence: missense variant.
Genome position (GRCh38, 1-based): chr17:39,462,588, G>A. VCF-style: chr17-39462588-G-A. GRCh37 (hg19) VCF-style: chr17-37618841-G-A.
Other names: c.517G>A, p.Glu173Lys (NM_015083.4); short protein forms E173K.
Identifiers: ClinVar variation 3830677 (VCV003830677.1).
Genomic context (GRCh38, chr17:39,462,588, plus strand): 5'-CGTTCGAATGAGGAGACTGATGACTATGGGAAGGCGCAGGTAGCCAAAAGCAGCAGCAAG[G>A]AATCCAGGTCATCCAAGCTCCACAAGGAGAAGACCAGGAAAGAACGGGAGCTGAAGTCTG-3'
Protein context (NP_057591.2, residues 163-183): KAQVAKSSSK[Glu173Lys]SRSSKLHKEK

ClinVar aggregate classification (germline): Uncertain significance (1 of 4 stars; one submission).

gnomAD v4.1: 2 of 1,614,142 alleles (0.00012%); highest among the groups gnomAD compares: Non-Finnish European, 0.00017%; no homozygotes.

Submission:

Ambry Genetics
Classification: Uncertain significance. Last evaluated: 2025-02-16. Review status: criteria provided, single submitter. Criteria: Ambry Variant Classification Scheme 2023. Collection method: clinical testing. Allele origin: germline.
Comment: The p.E173K variant (also known as c.517G>A), located in coding exon 1 of the CDK12 gene, results from a G to A substitution at nucleotide position 517. The glutamic acid at codon 173 is replaced by lysine, an amino acid with similar properties. This amino acid position is conserved. In addition, this alteration is predicted to be tolerated by in silico analysis. Based on the available evidence, the clinical significance of this variant remains unclear.